The following is an entry in ClinVar:

ClinVar aggregate classification (germline): Uncertain significance (1 of 4 stars; one submission).

Conditions:
X-linked immunodeficiency with magnesium defect, Epstein-Barr virus infection and neoplasia. Identifiers: Orphanet 317476, MedGen C3275445, MONDO:0010455, OMIM 300853.

gnomAD v4.1: 1 of 1,201,454 alleles (0.000083%); highest among the groups gnomAD compares: Non-Finnish European, 0.00011%; no homozygotes.

Submission:

Labcorp Genetics (formerly Invitae), Labcorp
Classification: Uncertain significance for X-linked immunodeficiency with magnesium defect, Epstein-Barr virus infection and neoplasia. Last evaluated: 2024-04-29. Review status: criteria provided, single submitter. Criteria: Invitae Variant Classification Sherloc (09022015). Collection method: clinical testing. Allele origin: germline.
Comment: This sequence change replaces arginine, which is basic and polar, with cysteine, which is neutral and slightly polar, at codon 95 of the MAGT1 protein (p.Arg95Cys). This variant is not present in population databases (gnomAD no frequency). This variant has not been reported in the literature in individuals affected with MAGT1-related conditions. Advanced modeling of protein sequence and biophysical properties (such as structural, functional, and spatial information, amino acid conservation, physicochemical variation, residue mobility, and thermodynamic stability) performed at Invitae indicates that this missense variant is not expected to disrupt MAGT1 protein function with a negative predictive value of 80%. In summary, the available evidence is currently insufficient to determine the role of this variant in disease. Therefore, it has been classified as a Variant of Uncertain Significance.

NM_001367916.1(MAGT1):c.187C>T (p.Arg63Cys)

Gene: MAGT1 (magnesium transporter 1; minus strand). Cytogenetic location: Xq21.1.
Variant type: single nucleotide variant.
Coding change: c.187C>T on transcript NM_001367916.1 (MANE Select); coding-DNA position 187, C replaced by T.
Protein change: p.Arg63Cys; replaces arginine 63 with cysteine.
Molecular consequence: missense variant.
Genome position (GRCh38, 1-based): chrX:77,875,513, G>A on the plus strand (C>T on the coding strand, the complement: MAGT1 is on the minus strand). VCF-style: chrX-77875513-G-A. GRCh37 (hg19) VCF-style: chrX-77131010-G-A.
Other names: c.283C>T, p.Arg95Cys (NM_032121.5); short protein forms R63C, R95C.
Identifiers: ClinVar variation 3651500 (VCV003651500.2).
Genomic context (GRCh38, chrX:77,875,513, plus strand): 5'-GTTGGAGAGCAGTGAACATGACGATAACGGAGTAATTTCTCGGTGGGGCTTTCACAAGGC[G>A]ACGGAACTTGTCTCCATTCATTCTTATTACAGGTCTTTTGTTAGTCCATTCCATCAGCTG-3'
Protein context (NP_001354845.1, residues 53-73): VIRMNGDKFR[Arg63Cys]LVKAPPRNYS